The following is an entry in ClinVar:

NM_000492.4(CFTR):c.3682G>C (p.Glu1228Gln)

Genes: CFTR (CF transmembrane conductance regulator; plus strand), CFTR-AS2 (CFTR antisense RNA 2; minus strand). Cytogenetic location: 7q31.2.
Variant type: single nucleotide variant.
Coding change: c.3682G>C on transcript NM_000492.4 (MANE Select); coding-DNA position 3682, G replaced by C.
Protein change: p.Glu1228Gln; replaces glutamic acid 1228 with glutamine.
Molecular consequence: missense variant.
Genome position (GRCh38, 1-based): chr7:117,627,735, G>C. VCF-style: chr7-117627735-G-C. GRCh37 (hg19) VCF-style: chr7-117267789-G-C.
Other names: short protein forms E1228Q.
Identifiers: ClinVar variation 993519 (VCV000993519.16), dbSNP rs759116351, ClinGen allele CA4451515.

ClinVar aggregate classification (germline): Uncertain significance. Review status: criteria provided, multiple submitters, no conflicts (2 of 4 stars). 5 submissions from 5 submitters: Uncertain significance (4). 1 of the submissions does not count toward it. Last evaluated 2026-08-18.

Conditions:
CFTR-related disorder (CFTR-RD). Also called: CFTR-related disorders; CFTR-related condition. Identifiers: MedGen C5924204, MONDO:7770004.
Cystic fibrosis (CF). Also called: MUCOVISCIDOSIS. Identifiers: Orphanet 586, MedGen C0010674, MONDO:0009061, OMIM 219700. Disease mechanism: loss of function.

Allele frequency attached by ClinVar (database versions not stated): TOPMed 0.00001; gnomAD exomes 0.00001; ExAC 0.00001.
gnomAD v4.1: 8 of 1,612,828 alleles (0.0005%); highest among the groups gnomAD compares: Non-Finnish European, 0.00068%; no homozygotes.

Submissions (5):

Ambry Genetics
Classification: Uncertain significance for Cystic fibrosis. Last evaluated: 2026-08-18. Review status: criteria provided, single submitter. Criteria: Ambry Variant Classification Scheme 2023. Collection method: clinical testing. Allele origin: germline.
Comment: The p.E1228Q variant (also known as c.3682G>C), located in coding exon 22 of the CFTR gene, results from a G to C substitution at nucleotide position 3682. The glutamic acid at codon 1228 is replaced by glutamine, an amino acid with highly similar properties. This amino acid position is well conserved in available vertebrate species. In addition, the in silico prediction for this alteration is inconclusive. Based on the available evidence, the clinical significance of this variant remains unclear.

Genome-Nilou Lab
Classification: Uncertain significance for Cystic fibrosis. Last evaluated: 2021-09-05. Review status: criteria provided, single submitter. Criteria: ACMG Guidelines, 2015. Collection method: clinical testing. Allele origin: germline. Affected: no.

Mayo Clinic Laboratories, Mayo Clinic
Classification: Uncertain significance. Last evaluated: 2020-09-16. Review status: criteria provided, single submitter. Criteria: ACMG Guidelines, 2015. Collection method: clinical testing. Allele origin: germline. Observed: 1 variant allele.

ARUP Laboratories, Molecular Genetics and Genomics, ARUP Laboratories
Classification: Uncertain significance. Last evaluated: 2020-05-06. Review status: criteria provided, single submitter. Criteria: ARUP Molecular Germline Variant Investigation Process. Collection method: clinical testing. Allele origin: germline.
Comment: The CFTR c.3682G>C; p.Glu1228Gln variant (rs759116351), to our knowledge, is not reported in the medical literature or gene specific databases. The variant is reported in the ClinVar database (Variation ID: 633166) and is listed in the general population with an overall allele frequency of 0.001% (3/281,072 alleles) in the Genome Aggregation Database. The glutamic acid at codon 1228 is moderately conserved computational analyses (SIFT, PolyPhen-2) predict that this variant is tolerated. Due to limited information, the clinical significance of the p.Glu1228Gln variant is uncertain at this time.

Natera, Inc.
Classification: Uncertain significance for CFTR-related disorders. Last evaluated: 2018-10-30. Review status: no assertion criteria provided. Collection method: clinical testing. Allele origin: germline. Not counted in ClinVar's aggregate classification.